The following is an entry in ClinVar:

ClinVar aggregate classification (germline): Likely pathogenic (1 of 4 stars; one submission).

Conditions:
KBG syndrome (KBGS). Also called: ANKRD11-Related KBG Syndrome. Identifiers: Orphanet 2332, MedGen C0220687, MONDO:0007846, OMIM 148050.

Submission:

Labcorp Genetics (formerly Invitae), Labcorp
Classification: Likely pathogenic for KBG syndrome. Last evaluated: 2024-10-13. Review status: criteria provided, single submitter. Criteria: Invitae Variant Classification Sherloc (09022015). Collection method: clinical testing. Allele origin: germline.
Comment: This variant, c.7570_7572del, results in the deletion of 1 amino acid(s) of the ANKRD11 protein (p.Glu2524del), but otherwise preserves the integrity of the reading frame. This variant is not present in population databases (gnomAD no frequency). This variant has been observed in individual(s) with ANKRD11-related conditions (PMID: 36446582). In at least one individual the variant was observed to be de novo. Algorithms developed to predict the effect of sequence changes on RNA splicing suggest that this variant may disrupt the consensus splice site. In summary, the currently available evidence indicates that the variant is pathogenic, but additional data are needed to prove that conclusively. Therefore, this variant has been classified as Likely Pathogenic.

Literature cited by the submitters: PubMed 36446582.

NC_000016.10:g.89274957_89274959del

Gene: ANKRD11 (ankyrin repeat domain 11; minus strand). Cytogenetic location: 16q24.3.
Variant type: Deletion.
Genome position: GRCh38 VCF-style: chr16-89274954-TCTC-T. GRCh37 (hg19) VCF-style: chr16-89341362-TCTC-T.
Identifiers: ClinVar variation 3675408 (VCV003675408.2).